The following is an entry in ClinVar:

NM_004859.4(CLTC):c.2129-7_2129-4del

Gene: CLTC (clathrin heavy chain; plus strand). Cytogenetic location: 17q23.1.
Variant type: Deletion.
Coding change: c.2129-7_2129-4del on transcript NM_004859.4 (MANE Select); 7 bases into the intron before coding-DNA position 2129 through 4 bases into the intron before coding-DNA position 2129, 4 bases deleted (CTTT; older notation c.2129-7_2129-4delCTTT).
Molecular consequence: intron variant.
Genome position (GRCh38, 1-based): chr17:59,668,770-59,668,773, CTTT deleted; deleting any 4 consecutive bases within chr17:59,668,767-59,668,773 gives the same sequence; the c. name uses the placement nearest the transcript's 3' end. VCF-style (leftmost placement, unchanged base first): chr17-59668766-GTTTC-G. GRCh37 (hg19) VCF-style: chr17-57746127-GTTTC-G.
Other names: c.2141-7_2141-4del (NM_001288653.2).
Identifiers: ClinVar variation 1394601 (VCV001394601.6), dbSNP rs2143561043, ClinGen allele CA2573154428.

ClinVar aggregate classification (germline): Pathogenic (1 of 4 stars; one submission).

Submission:

Labcorp Genetics (formerly Invitae), Labcorp
Classification: Pathogenic. Last evaluated: 2024-05-15. Review status: criteria provided, single submitter. Criteria: Invitae Variant Classification Sherloc (09022015). Collection method: clinical testing. Allele origin: germline.
Comment: This sequence change falls in intron 13 of the CLTC gene. It does not directly change the encoded amino acid sequence of the CLTC protein. This variant is not present in population databases (gnomAD no frequency). This variant has been observed in individual(s) with clinical features of CLTC-related conditions (Invitae). In at least one individual the variant was observed to be de novo. ClinVar contains an entry for this variant (Variation ID: 1394601). Algorithms developed to predict the effect of sequence changes on RNA splicing suggest that this variant may disrupt the consensus splice site. For these reasons, this variant has been classified as Pathogenic.